The following is an entry in ClinVar:

ClinVar aggregate classification (germline): Uncertain significance. Review status: criteria provided, single submitter (1 of 4 stars). 2 submissions from 2 submitters: Uncertain significance (1). 1 of the submissions does not count toward it. Last evaluated 2020-01-31.

Conditions:
Cardiomyopathy (CMYO). Also called: Cardiomyopathies. Identifiers: Orphanet 167848, MedGen C0878544, MONDO:0004994, HP:0001638. Inheritance: Various modes of inheritance.
Dystrophin deficiency.
Becker muscular dystrophy (BMD). Also called: MUSCULAR DYSTROPHY, PSEUDOHYPERTROPHIC PROGRESSIVE, BECKER TYPE; Becker Muscular Dystrophy (BMD). Identifiers: Orphanet 98895, MedGen C0917713, MONDO:0010311, OMIM 300376.
Duchenne muscular dystrophy (DMD). Also called: Duchenne Muscular Dystrophy (DMD); MUSCULAR DYSTROPHY, PSEUDOHYPERTROPHIC PROGRESSIVE, DUCHENNE TYPE. Identifiers: Orphanet 98896, MedGen C0013264, MONDO:0010679, OMIM 310200.

Allele frequency attached by ClinVar (database versions not stated): gnomAD exomes below 0.00001.
gnomAD v4.1: 2 of 1,210,178 alleles (0.00017%); highest among the groups gnomAD compares: Non-Finnish European, 0.00022%; no homozygotes.

Submissions (2):

Women's Health and Genetics/Laboratory Corporation of America, LabCorp
Classification: Uncertain significance. Last evaluated: 2020-01-31. Review status: criteria provided, single submitter. Criteria: LabCorp Variant Classification Summary - May 2015. Collection method: clinical testing. Allele origin: germline.
Comment: Variant summary: DMD c.5884A>C (p.Lys1962Gln) results in a conservative amino acid change located in the Central rod domain (repeat 15) of the encoded protein sequence. Five of five in-silico tools predict a benign effect of the variant on protein function. The variant was absent in 181563 control chromosomes (gnomAD). The available data on variant occurrences in the general population are insufficient to allow any conclusion about variant significance. c.5884A>C has been reported in the literature in at least one individual affected with late-onset Becker muscular dystrophy, but also in his two unaffected bothers who exhibited only high serum creatine kinase levels (Saad_1998). A second mutation in DMD of unknown significance, reported as c.5911T>C, was also detected in the affected patient, and the contributions of each variant to the phenotype could not be determined from this study. To our knowledge,neither of these variants has been reported in other dystropinopathy patients alone or in combination and no experimental evidence demonstrating an impact on protein function has been reported. Thus, these data do not provide unequivocal conclusions about association of the variant with Dystrophinopathies. No clinical diagnostic laboratories have submitted clinical-significance assessments for this variant to ClinVar after 2014. Based on the evidence outlined above, the variant was classified as uncertain significance.

Natera, Inc.
Classification: Uncertain significance for Becker muscular dystrophy; Cardiomyopathy; Duchenne muscular dystrophy; Dystrophin deficiency. Last evaluated: 2020-04-03. Review status: no assertion criteria provided. Collection method: clinical testing. Allele origin: germline. Not counted in ClinVar's aggregate classification.

Literature cited by the submitters: PubMed 9805122 (cited by Women's Health and Genetics/Laboratory Corporation of America, LabCorp).

NM_004006.3(DMD):c.5884A>C (p.Lys1962Gln)

Gene: DMD (dystrophin; minus strand). Cytogenetic location: Xp21.1.
Variant type: single nucleotide variant.
Coding change: c.5884A>C on transcript NM_004006.3 (MANE Select); coding-DNA position 5884, A replaced by C.
Protein change: p.Lys1962Gln; replaces lysine 1962 with glutamine.
Molecular consequence: missense variant.
Genome position (GRCh38, 1-based): chrX:32,342,138, T>G on the plus strand (A>C on the coding strand, the complement: DMD is on the minus strand). VCF-style: chrX-32342138-T-G. GRCh37 (hg19) VCF-style: chrX-32360255-T-G.
Other names: c.5860A>C, p.Lys1954Gln (NM_000109.4); c.5872A>C, p.Lys1958Gln (NM_004009.3); c.5515A>C, p.Lys1839Gln (NM_004010.3); c.1861A>C, p.Lys621Gln (NM_004011.4); c.1852A>C, p.Lys618Gln (NM_004012.4); short protein forms K1954Q, K618Q, K621Q, K1839Q, K1958Q, K1962Q.
Identifiers: ClinVar variation 917669 (VCV000917669.2), dbSNP rs2097746777, ClinGen allele CA412664803.